The following is an entry in ClinVar:

NM_004863.4(SPTLC2):c.1603T>C (p.Leu535=)

Gene: SPTLC2 (serine palmitoyltransferase long chain base subunit 2; minus strand). Cytogenetic location: 14q24.3.
Variant type: single nucleotide variant.
Coding change: c.1603T>C on transcript NM_004863.4 (MANE Select); coding-DNA position 1603, T replaced by C.
Protein change: p.Leu535=; no amino-acid change (leucine 535 retained).
Molecular consequence: synonymous variant.
Genome position (GRCh38, 1-based): chr14:77,512,370, A>G on the plus strand (T>C on the coding strand, the complement: SPTLC2 is on the minus strand). VCF-style: chr14-77512370-A-G. GRCh37 (hg19) VCF-style: chr14-77978713-A-G.
Identifiers: ClinVar variation 392157 (VCV000392157.15), dbSNP rs34017190, ClinGen allele CA7289117.
Genomic context (GRCh38, chr14:77,512,370, plus strand): 5'-TCTCGTCAAAGGGCCTGTCCAGTAGAGGTACCAACCGATGACGGGAATACTTCAGCTGCA[A>G]TAGGTCCCCAACTTCATCTATCTCCTTTAAAGCCTAAAATACACAAGACAAAGTAGAGGT-3'
Protein context (NP_004854.1, residues 525-545): LKEIDEVGDL[Leu535=]QLKYSRHRLV

ClinVar aggregate classification (germline): Benign/Likely benign. Review status: criteria provided, multiple submitters, no conflicts (2 of 4 stars). 4 submissions from 4 submitters: Benign (1); Likely benign (3). Last evaluated 2025-10-01.

Conditions:
SPTLC2-related disorder. Also called: SPTLC2-related condition.
Inborn genetic diseases. Identifiers: MedGen C0950123, MeSH D030342.
Neuropathy, hereditary sensory and autonomic, type 1C. Also called: HSAN IC; HSN IC. Identifiers: Orphanet 36386, MedGen C3150896, MONDO:0013337, OMIM 613640.

Allele frequency attached by ClinVar (database versions not stated): gnomAD exomes 0.00005 and 0.00012; ExAC 0.00015; gnomAD 0.00043 and 0.00046; ESP Exome Variant Server 0.00046; 1000 Genomes Project 30x 0.00047; TOPMed 0.00053; 1000 Genomes Project 0.00060.
gnomAD v4.1: 134 of 1,614,234 alleles (0.0083%); highest among the groups gnomAD compares: African/African-American, 0.17%; no homozygotes.

Submissions (4):

Labcorp Genetics (formerly Invitae), Labcorp
Classification: Benign for Neuropathy, hereditary sensory and autonomic, type 1C. Last evaluated: 2025-10-01. Review status: criteria provided, single submitter. Criteria: Invitae Variant Classification Sherloc (09022015). Collection method: clinical testing. Allele origin: germline.

PreventionGenetics, part of Exact Sciences
Classification: Likely benign for SPTLC2-related condition. Last evaluated: 2025-07-01. Review status: criteria provided, single submitter. Criteria: ACMG Guidelines, 2015. Collection method: clinical testing. Allele origin: germline.
Comment: This variant is classified as likely benign based on ACMG/AMP sequence variant interpretation guidelines (Richards et al. 2015 PMID: 25741868, with internal and published modifications).

Ambry Genetics
Classification: Likely benign for Inborn genetic diseases. Last evaluated: 2019-07-11. Review status: criteria provided, single submitter. Criteria: Ambry Variant Classification Scheme 2023. Collection method: clinical testing. Allele origin: germline.

GeneDx
Classification: Likely benign. Last evaluated: 2016-12-29. Review status: criteria provided, single submitter. Criteria: GeneDx Variant Classification (06012015). Collection method: clinical testing. Allele origin: germline. Affected: yes.
Comment: This variant is considered likely benign or benign based on one or more of the following criteria: it is a conservative change, it occurs at a poorly conserved position in the protein, it is predicted to be benign by multiple in silico algorithms, and/or has population frequency not consistent with disease.